The following is an entry in ClinVar:

ClinVar aggregate classification (germline): Uncertain significance (1 of 4 stars; one submission).

Allele frequency attached by ClinVar (database versions not stated): gnomAD exomes 0.00001; TOPMed 0.00001; ExAC 0.00002.
gnomAD v4.1: 17 of 1,609,622 alleles (0.0011%); highest among the groups gnomAD compares: Non-Finnish European, 0.0014%; no homozygotes.

Submission:

Labcorp Genetics (formerly Invitae), Labcorp
Classification: Uncertain significance. Last evaluated: 2023-07-03. Review status: criteria provided, single submitter. Criteria: Invitae Variant Classification Sherloc (09022015). Collection method: clinical testing. Allele origin: germline.
Comment: This variant has not been reported in the literature in individuals affected with RGS9-related conditions. ClinVar contains an entry for this variant (Variation ID: 1427001). An algorithm developed to predict the effect of missense changes on protein structure and function (PolyPhen-2) suggests that this variant is likely to be tolerated. In summary, the available evidence is currently insufficient to determine the role of this variant in disease. Therefore, it has been classified as a Variant of Uncertain Significance. This variant is present in population databases (rs760149523, gnomAD 0.002%). This sequence change replaces valine, which is neutral and non-polar, with alanine, which is neutral and non-polar, at codon 611 of the RGS9 protein (p.Val611Ala).

NM_003835.4(RGS9):c.1832T>C (p.Val611Ala)

Gene: RGS9 (regulator of G protein signaling 9; plus strand). Cytogenetic location: 17q24.1.
Variant type: single nucleotide variant.
Coding change: c.1832T>C on transcript NM_003835.4 (MANE Select); coding-DNA position 1832, T replaced by C.
Protein change: p.Val611Ala; replaces valine 611 with alanine.
Molecular consequence: missense variant.
Genome position (GRCh38, 1-based): chr17:65,225,426, T>C. VCF-style: chr17-65225426-T-C. GRCh37 (hg19) VCF-style: chr17-63221544-T-C.
Other names: c.1823T>C, p.Val608Ala (NM_001081955.3); short protein forms V608A, V611A.
Identifiers: ClinVar variation 1427001 (VCV001427001.8), dbSNP rs760149523, ClinGen allele CA8718152.